The following is an entry in ClinVar:

NM_004304.5(ALK):c.2577G>C (p.Glu859Asp)

Gene: ALK (ALK receptor tyrosine kinase; minus strand). Cytogenetic location: 2p23.2.
Variant type: single nucleotide variant.
Coding change: c.2577G>C on transcript NM_004304.5 (MANE Select); coding-DNA position 2577, G replaced by C.
Protein change: p.Glu859Asp; replaces glutamic acid 859 with aspartic acid.
Molecular consequence: missense variant.
Genome position (GRCh38, 1-based): chr2:29,232,359, C>G on the plus strand (G>C on the coding strand, the complement: ALK is on the minus strand). VCF-style: chr2-29232359-C-G. GRCh37 (hg19) VCF-style: chr2-29455225-C-G.
Other names: short protein forms E859D.
Identifiers: ClinVar variation 133464 (VCV000133464.42), dbSNP rs61754865, ClinGen allele CA156608.
Genomic context (GRCh38, chr2:29,232,359, plus strand): 5'-TTTACCTGCGGCTCCGGAATTGCCGTTTAGCCCTAGAACCGAGGAGTTATTCTCCAGTCT[C>G]TCTGGGTGGAACGTGTCTGTCTTGGCCCCGTAGGCCCTGCCACCACCTCCGGCTGCAATG-3'
Protein context (NP_004295.2, residues 849-869): YGAKTDTFHP[Glu859Asp]RLENNSSVLG

ClinVar aggregate classification (germline): Conflicting classifications of pathogenicity. Review status: criteria provided, conflicting classifications (1 of 4 stars). 9 submissions from 9 submitters: Uncertain significance (2); Benign (3); Likely benign (3). 1 of the submissions does not count toward it. Last evaluated 2026-04-16.

Conditions:
Hereditary cancer-predisposing syndrome. Also called: Tumor predisposition; Hereditary neoplastic syndrome; Neoplastic Syndromes, Hereditary; Hereditary Cancer Syndrome. Identifiers: Orphanet 140162, MedGen C0027672, MeSH D009386, MONDO:0015356.
Neuroblastoma, susceptibility to, 3. Also called: ALK-Related Neuroblastic Tumor Susceptibility. Identifiers: Orphanet 635, MedGen C2751681, MONDO:0013083, OMIM 613014.

Allele frequency attached by ClinVar (database versions not stated): 1000 Genomes Project 0.00040; 1000 Genomes Project 30x 0.00047; ESP Exome Variant Server 0.00077; TOPMed 0.00084.
gnomAD v4.1: 340 of 1,614,268 alleles (0.021%); highest among the groups gnomAD compares: African/African-American, 0.38%; 4 homozygotes.

Submissions (9):

Women's Health and Genetics/Laboratory Corporation of America, LabCorp
Classification: Likely benign. Last evaluated: 2026-04-16. Review status: criteria provided, single submitter. Criteria: LabCorp Variant Classification Summary - May 2015. Collection method: clinical testing. Allele origin: germline.

Labcorp Genetics (formerly Invitae), Labcorp
Classification: Benign for Neuroblastoma, susceptibility to, 3. Last evaluated: 2026-01-27. Review status: criteria provided, single submitter. Criteria: Invitae Variant Classification Sherloc (09022015). Collection method: clinical testing. Allele origin: germline.

Ambry Genetics
Classification: Benign for Hereditary cancer-predisposing syndrome. Last evaluated: 2024-06-25. Review status: criteria provided, single submitter. Criteria: Ambry Variant Classification Scheme 2023. Collection method: clinical testing. Allele origin: germline.

Revvity Omics, Revvity
Classification: Uncertain significance. Last evaluated: 2023-05-18. Review status: criteria provided, single submitter. Criteria: ACMG Guidelines, 2015. Collection method: clinical testing. Allele origin: germline.

CeGaT Center for Human Genetics Tuebingen
Classification: Benign. Last evaluated: 2022-09-01. Review status: criteria provided, single submitter. Criteria: CeGaT Center For Human Genetics Tuebingen Variant Classification Criteria Version 2. Collection method: clinical testing. Allele origin: germline. Affected: yes. Observed: 1 variant allele.
Comment: ALK: BS1, BS2

Blueprint Genetics
Classification: Likely benign. Last evaluated: 2022-03-31. Review status: criteria provided, single submitter. Criteria: ACMG Guidelines, 2015. Collection method: clinical testing. Allele origin: germline.

Sema4
Classification: Likely benign for Hereditary cancer-predisposing syndrome. Last evaluated: 2021-05-13. Review status: criteria provided, single submitter. Criteria: Sema4 Curation Guidelines. Collection method: curation. Allele origin: germline.

GeneDx
Classification: Uncertain significance. Last evaluated: 2016-05-02. Review status: criteria provided, single submitter. Criteria: GeneDx Variant Classification (06012015). Collection method: clinical testing. Allele origin: germline. Affected: yes.
Comment: This variant is denoted ALK c.2577G>C at the cDNA level, p.Glu859Asp (E859D) at the protein level, and results in the change of a Glutamic Acid to an Aspartic Acid (GAG>GAC). This variant was identified in 1/43 healthy African individuals undergoing whole genome sequencing (Bodian 2014). ALK Glu859Asp was observed with an allele frequency of 0.2% (10/4406) in African Americans in the NHLBI Exome Sequencing Project. Since Glutamic Acid and Aspartic Acid share similar properties, this is considered a conservative amino acid substitution. ALK Glu859Asp occurs at a position that is conserved across species and is located in a Glycine rich region (UniProt). In silico analyses predict that this variant is probably damaging to protein structure and function. Based on currently available evidence, it is unclear whether ALK Glu859Asp is a pathogenic or benign variant. We consider it to be a variant of uncertain significance.

ITMI
No classification provided. Condition: AllHighlyPenetrant. Last evaluated: 2013-09-19. Review status: no classification provided. Collection method: reference population. Allele origin: germline. Not counted in ClinVar's aggregate classification.
Comment: Please see associated publication for description of ethnicities

Literature cited by the submitters: PubMed 24728327 (cited by ITMI).